The following is an entry in ClinVar:

NM_001083926.2(ASRGL1):c.689T>C (p.Leu230Pro)

Gene: ASRGL1 (asparaginase and isoaspartyl peptidase 1; plus strand). Cytogenetic location: 11q12.3.
Variant type: single nucleotide variant.
Coding change: c.689T>C on transcript NM_001083926.2 (MANE Select); coding-DNA position 689, T replaced by C.
Protein change: p.Leu230Pro; replaces leucine 230 with proline.
Molecular consequence: missense variant.
Genome position (GRCh38, 1-based): chr11:62,391,600, T>C. VCF-style: chr11-62391600-T-C. GRCh37 (hg19) VCF-style: chr11-62159072-T-C.
Other names: c.689T>C, p.Leu230Pro (NM_025080.4); short protein forms L230P.
Identifiers: ClinVar variation 4727876 (VCV004727876.1).

ClinVar aggregate classification (germline): Uncertain significance (1 of 4 stars; one submission).

Submission:

Labcorp Genetics (formerly Invitae), Labcorp
Classification: Uncertain significance. Last evaluated: 2025-09-25. Review status: criteria provided, single submitter. Criteria: Invitae Variant Classification Sherloc (09022015). Collection method: clinical testing. Allele origin: germline.
Comment: This sequence change replaces leucine, which is neutral and non-polar, with proline, which is neutral and non-polar, at codon 230 of the ASRGL1 protein (p.Leu230Pro). This variant is not present in population databases (gnomAD no frequency). This variant has not been reported in the literature in individuals affected with ASRGL1-related conditions. An algorithm developed to predict the effect of missense changes on protein structure and function (PolyPhen-2) suggests that this variant is likely to be disruptive. In summary, the available evidence is currently insufficient to determine the role of this variant in disease. Therefore, it has been classified as a Variant of Uncertain Significance.